The following is an entry in ClinVar:

NM_020975.6(RET):c.1403A>T (p.Asn468Ile)

Gene: RET (ret proto-oncogene; plus strand). Cytogenetic location: 10q11.21.
Variant type: single nucleotide variant.
Coding change: c.1403A>T on transcript NM_020975.6 (MANE Select); coding-DNA position 1403, A replaced by T.
Protein change: p.Asn468Ile; replaces asparagine 468 with isoleucine.
Molecular consequence: missense variant. On other transcripts: intron variant (15).
Genome position (GRCh38, 1-based): chr10:43,111,346, A>T. VCF-style: chr10-43111346-A-T. GRCh37 (hg19) VCF-style: chr10-43606794-A-T.
Other names: c.641A>T, p.Asn214Ile (NM_001355216.2); c.1403A>T, p.Asn468Ile (NM_001406743.1, NM_001406744.1, NM_001406759.1 and 4 more transcripts); c.1274A>T, p.Asn425Ile (NM_001406761.1, NM_001406762.1, NM_001406764.1 and 1 more transcripts); c.1115A>T, p.Asn372Ile (NM_001406766.1, NM_001406767.1, NM_001406770.1); c.1007A>T, p.Asn336Ile (NM_001406769.1, NM_001406772.1); c.965A>T, p.Asn322Ile (NM_001406771.1, NM_001406773.1); c.878A>T, p.Asn293Ile (NM_001406774.1); c.677A>T, p.Asn226Ile (NM_001406775.1, NM_001406776.1, NM_001406777.1 and 1 more transcripts); and 5 more; short protein forms N226I, N293I, N372I, N425I, N214I, N322I, N336I, N138I.
Identifiers: ClinVar variation 5028203 (VCV005028203.1).
Genomic context (GRCh38, chr10:43,111,346, plus strand): 5'-ACTGCAGCACGCTAGGGGTGGTCACCTCAGCCGAGGACACCTCGGGGATCCTGTTTGTGA[A>T]TGACACCAAGGCCCTGCGGCGGCCCAAGTGTGCCGAACTTCACTACATGGTGGTGGCCAC-3'
Protein context (NP_066124.1, residues 458-478): AEDTSGILFV[Asn468Ile]DTKALRRPKC

ClinVar aggregate classification (germline): Uncertain significance (1 of 4 stars; one submission).

Conditions:
Hereditary cancer-predisposing syndrome. Also called: Neoplastic Syndromes, Hereditary; Tumor predisposition; Hereditary neoplastic syndrome; Hereditary Cancer Syndrome. Identifiers: Orphanet 140162, MedGen C0027672, MeSH D009386, MONDO:0015356.

Submission:

Ambry Genetics
Classification: Uncertain significance for Hereditary cancer-predisposing syndrome. Last evaluated: 2026-08-11. Review status: criteria provided, single submitter. Criteria: Ambry Variant Classification Scheme 2023. Collection method: clinical testing. Allele origin: germline.
Comment: The p.N468I variant (also known as c.1403A>T), located in coding exon 7 of the RET gene, results from an A to T substitution at nucleotide position 1403. The asparagine at codon 468 is replaced by isoleucine, an amino acid with dissimilar properties. This amino acid position is conserved. In addition, the in silico prediction for this alteration is inconclusive. Based on the available evidence, the clinical significance of this variant remains unclear.